The following is an entry in ClinVar:

ClinVar aggregate classification (germline): Likely benign (1 of 4 stars; one submission).

Conditions:
Leukodystrophy, hypomyelinating, 24 (HLD24). Identifiers: MedGen C5676974, MONDO:0859242, OMIM 619851.

gnomAD v4.1: 91 of 1,609,128 alleles (0.0057%); highest among the groups gnomAD compares: East Asian, 0.038%; no homozygotes.

Submission:

Centre for Medical Genetics,  Mumbai
Classification: Likely benign for Leukodystrophy, hypomyelinating, 24. Last evaluated: 2026-04-11. Review status: criteria provided, single submitter. Criteria: ACMG Guidelines, 2015. Collection method: provider interpretation. Allele origin: germline. Inheritance: Autosomal dominant inheritance. Affected: no. Observed: 1 variant allele, 1 heterozygote.
Comment: The variant satisfies PM2 criteria - extremely low frequency in gnomAD population databases. The variant satisfies PP3 criteria - for a missense or a splicing region variant, computational prediction tools unanimously support a deleterious effect on the gene. However, the variant satisfies BS2 criteria - present in heterozygous state in an individual that clinically does not have leukodystrophy, hypomyelinating.

Literature cited by the submitters: PubMed 34403372.

NM_015205.3(ATP11A):c.1559+5G>A

Gene: ATP11A (ATPase phospholipid transporting 11A; plus strand). Cytogenetic location: 13q34.
Variant type: single nucleotide variant.
Coding change: c.1559+5G>A on transcript NM_015205.3 (MANE Select); 5 bases into the intron after coding-DNA position 1559, G replaced by A.
Molecular consequence: intron variant.
Genome position (GRCh38, 1-based): chr13:112,833,028, G>A. VCF-style: chr13-112833028-G-A. GRCh37 (hg19) VCF-style: chr13-113487342-G-A.
Other names: c.1559+5G>A (NM_001405663.1, NM_001405661.1, NM_032189.4 and 1 more transcripts).
Identifiers: ClinVar variation 4851352 (VCV004851352.1).